The following is an entry in ClinVar:

NM_001127644.2(GABRA1):c.566A>T (p.Tyr189Phe)

Gene: GABRA1 (gamma-aminobutyric acid type A receptor subunit alpha1; plus strand). Cytogenetic location: 5q34.
Variant type: single nucleotide variant.
Coding change: c.566A>T on transcript NM_001127644.2 (MANE Select); coding-DNA position 566, A replaced by T.
Protein change: p.Tyr189Phe; replaces tyrosine 189 with phenylalanine.
Molecular consequence: missense variant.
Genome position (GRCh38, 1-based): chr5:161,882,564, A>T. VCF-style: chr5-161882564-A-T. GRCh37 (hg19) VCF-style: chr5-161309570-A-T.
Other names: c.566A>T, p.Tyr189Phe (NM_000806.5, NM_001127643.2, NM_001127645.2 and 1 more transcripts); short protein forms Y189F.
Identifiers: ClinVar variation 1312184 (VCV001312184.2), dbSNP rs2113414352, ClinGen allele CA362179403.
Genomic context (GRCh38, chr5:161,882,564, plus strand): 5'-TAAGAGAATTGAAGTGGTAAAATATATGGATCATTTTCTACTGTTTCCTTTTAGATGCTT[A>T]TACAAGAGCAGAAGTTGTTTATGAATGGACCAGAGAGCCAGCACGCTCAGTGGTTGTAGC-3'
Protein context (NP_001121116.1, residues 179-199): ACPLKFGSYA[Tyr189Phe]TRAEVVYEWT

ClinVar aggregate classification (germline): Uncertain significance (1 of 4 stars; one submission).

Submission:

GeneDx
Classification: Uncertain significance. Last evaluated: 2019-09-13. Review status: criteria provided, single submitter. Criteria: GeneDx Variant Classification Process June 2021. Collection method: clinical testing. Allele origin: germline. Affected: yes.
Comment: Not observed in large population cohorts (Lek et al., 2016); In silico analysis, which includes protein predictors and evolutionary conservation, supports a deleterious effect; Has not been previously published as pathogenic or benign to our knowledge